The following is an entry in ClinVar:

NM_000245.4(MET):c.3327G>A (p.Val1109=)

Gene: MET (MET proto-oncogene, receptor tyrosine kinase; plus strand). Cytogenetic location: 7q31.2.
Variant type: single nucleotide variant.
Coding change: c.3327G>A on transcript NM_000245.4 (MANE Select); coding-DNA position 3327, G replaced by A.
Protein change: p.Val1109=; no amino-acid change (valine 1109 retained).
Molecular consequence: synonymous variant.
Genome position (GRCh38, 1-based): chr7:116,777,456, G>A. VCF-style: chr7-116777456-G-A. GRCh37 (hg19) VCF-style: chr7-116417510-G-A.
Other names: c.3381G>A, p.Val1127= (NM_001127500.3); c.2037G>A, p.Val679= (NM_001324402.2).
Identifiers: ClinVar variation 1536090 (VCV001536090.9), dbSNP rs2117040350, ClinGen allele CA457218607.

ClinVar aggregate classification (germline): Benign/Likely benign. Review status: criteria provided, multiple submitters, no conflicts (2 of 4 stars). 2 submissions from 2 submitters: Benign (1); Likely benign (1). Last evaluated 2024-11-13.

Conditions:
Renal cell carcinoma. Identifiers: Orphanet 217071, MedGen C0007134, MeSH D002292, MONDO:0005086, HP:0005584.
Papillary renal cell carcinoma type 1 (RCCP1). Also called: RENAL CELL CARCINOMA, PAPILLARY, 1, SOMATIC; Renal adenocarcinoma; Renal cell carcinoma 1; Renal cell carcinoma, somatic. Identifiers: Orphanet 47044, MedGen C1336839, OMIM 605074, HP:0011797.

Submissions (2):

Myriad Genetics, Inc.
Classification: Benign for Papillary renal cell carcinoma type 1. Last evaluated: 2024-11-13. Review status: criteria provided, single submitter. Criteria: Myriad Autosomal Dominant, Autosomal Recessive and X-Linked Classification Criteria (2023). Collection method: clinical testing. Allele origin: unknown.
Comment: This variant is considered benign. This variant is a silent/synonymous amino acid change and it is not expected to impact splicing.

Labcorp Genetics (formerly Invitae), Labcorp
Classification: Likely benign for Renal cell carcinoma. Last evaluated: 2021-02-21. Review status: criteria provided, single submitter. Criteria: Invitae Variant Classification Sherloc (09022015). Collection method: clinical testing. Allele origin: germline.